The following is an entry in ClinVar:

ClinVar aggregate classification (germline): Uncertain significance (1 of 4 stars; one submission).

Conditions:
Generalized epilepsy with febrile seizures plus, type 7 (GEFSP7). Also called: GEFS+, TYPE 7. Identifiers: Orphanet 36387, MedGen C2751778, MONDO:0013470, OMIM 613863.
Neuropathy, hereditary sensory and autonomic, type 2A (HSAN2A). Also called: MORVAN DISEASE; NEUROPATHY, CONGENITAL SENSORY; NEUROPATHY, HEREDITARY SENSORY RADICULAR, AUTOSOMAL RECESSIVE; NEUROPATHY, HEREDITARY SENSORY, TYPE IIA; NEUROPATHY, PROGRESSIVE SENSORY, OF CHILDREN; WNK1-Related HSAN2 (HSAN2A). Identifiers: Orphanet 970, MedGen C2752089, MONDO:0024309, OMIM 201300.

Submission:

Labcorp Genetics (formerly Invitae), Labcorp
Classification: Uncertain significance for Neuropathy, hereditary sensory and autonomic, type 2A; Generalized epilepsy with febrile seizures plus, type 7. Last evaluated: 2020-01-21. Review status: criteria provided, single submitter. Criteria: Invitae Variant Classification Sherloc (09022015). Collection method: clinical testing. Allele origin: germline.
Comment: In summary, the available evidence is currently insufficient to determine the role of this variant in disease. Therefore, it has been classified as a Variant of Uncertain Significance. Nucleotide substitutions within the consensus splice site are a relatively common cause of aberrant splicing (PMID: 17576681, 9536098). Algorithms developed to predict the effect of sequence changes on RNA splicing suggest that this variant may disrupt the consensus splice site, but this prediction has not been confirmed by published transcriptional studies. This variant has not been reported in the literature in individuals with SCN9A-related conditions. This variant is not present in population databases (ExAC no frequency). This sequence change falls in intron 13 of the SCN9A gene. It does not directly change the encoded amino acid sequence of the SCN9A protein, but it affects a nucleotide within the consensus splice site of the intron.

Literature cited by the submitters: PubMed 17576681; PubMed 9536098.

NM_001365536.1(SCN9A):c.2104+5G>C

Genes: SCN1A-AS1 (SCN1A and SCN9A antisense RNA 1; plus strand), SCN9A (sodium voltage-gated channel alpha subunit 9; minus strand). Cytogenetic location: 2q24.3.
Variant type: single nucleotide variant.
Coding change: c.2104+5G>C on transcript NM_001365536.1 (MANE Select); 5 bases into the intron after coding-DNA position 2104, G replaced by C.
Molecular consequence: intron variant.
Genome position (GRCh38, 1-based): chr2:166,281,674, C>G on the plus strand (G>C on the coding strand, the complement: SCN9A is on the minus strand). VCF-style: chr2-166281674-C-G. GRCh37 (hg19) VCF-style: chr2-167138184-C-G.
Other names: c.2071+5G>C (NM_002977.4).
Identifiers: ClinVar variation 834764 (VCV000834764.8), dbSNP rs200386296, ClinGen allele CA59797575.